The following is an entry in ClinVar:

NM_001394062.1(MACF1):c.794T>C (p.Leu265Pro)

Gene: MACF1 (microtubule actin crosslinking factor 1; plus strand). Cytogenetic location: 1p34.3.
Variant type: single nucleotide variant.
Coding change: c.794T>C on transcript NM_001394062.1 (MANE Select); coding-DNA position 794, T replaced by C.
Protein change: p.Leu265Pro; replaces leucine 265 with proline.
Molecular consequence: missense variant.
Genome position (GRCh38, 1-based): chr1:39,283,287, T>C. VCF-style: chr1-39283287-T-C. GRCh37 (hg19) VCF-style: chr1-39748959-T-C.
Other names: c.809T>C, p.Leu270Pro (NM_012090.5); short protein forms L265P, L270P.
Identifiers: ClinVar variation 4755941 (VCV004755941.1).

ClinVar aggregate classification (germline): Uncertain significance (1 of 4 stars; one submission).

Submission:

GeneDx
Classification: Uncertain significance. Last evaluated: 2025-08-07. Review status: criteria provided, single submitter. Criteria: GeneDx Variant Classification Process June 2021. Collection method: clinical testing. Allele origin: germline. Affected: yes.
Comment: Not observed at significant frequency in large population cohorts (gnomAD); In silico analysis supports that this missense variant has a deleterious effect on protein structure/function; Has not been previously published as pathogenic or benign to our knowledge